The following is an entry in ClinVar:

NM_003482.4(KMT2D):c.5139del (p.Pro1714fs)

Gene: KMT2D (lysine methyltransferase 2D; minus strand). Cytogenetic location: 12q13.12.
Variant type: Deletion.
Coding change: c.5139del on transcript NM_003482.4 (MANE Select); coding-DNA position 5139, one base deleted (G; older notation c.5139delG).
Protein change: p.Pro1714fs; shifts the reading frame from proline 1714.
Molecular consequence: frameshift variant.
Genome position (GRCh38, 1-based): chr12:49,044,249, C deleted on the plus strand (G on the coding strand, the reverse complement: KMT2D is on the minus strand); the first of 4 consecutive C bases (chr12:49,044,249-49,044,252); deleting any one gives the same sequence. VCF-style (leftmost placement, unchanged base first): chr12-49044248-GC-G. GRCh37 (hg19) VCF-style: chr12-49438031-GC-G.
Other names: c.5139delG (NM_003482.3); short protein forms P1714fs.
Identifiers: ClinVar variation 280416 (VCV000280416.2), dbSNP rs886041627, ClinGen allele CA10603163.

ClinVar aggregate classification (germline): Pathogenic (1 of 4 stars; one submission).

Submission:

GeneDx
Classification: Pathogenic. Last evaluated: 2016-03-06. Review status: criteria provided, single submitter. Criteria: GeneDx Variant Classification (06012015). Collection method: clinical testing. Allele origin: germline. Affected: yes.
Comment: The c.5139delG pathogenic variant in the KMT2D gene has not been reported previously as a pathogenic variant nor as a benign variant, to our knowledge. The c.5139delG variant causes a frameshift starting with codon Proline 1714, changes this amino acid to a Leucine residue, and creates a premature Stop codon at position 8 of the new reading frame, denoted p.Pro1714LeufsX8. This variant is predicted to cause loss of normal protein function either through protein truncation or nonsense-mediated mRNA decay. The c.5139delG variant was not observed in approximately 6,400 individuals of European and African American ancestry in the NHLBI Exome Sequencing Project, indicating it is not a common benign variant in these populations. We interpret c.5139delG as a pathogenic variant.